The following is an entry in ClinVar:

NM_001386140.1(MTTP):c.*588A>G

Gene: MTTP (microsomal triglyceride transfer protein; plus strand). Cytogenetic location: 4q23.
Variant type: single nucleotide variant.
Coding change: c.*588A>G on transcript NM_001386140.1 (MANE Select); 588 bases downstream of the stop codon, A replaced by G.
Molecular consequence: 3 prime UTR variant.
Genome position (GRCh38, 1-based): chr4:99,623,436, A>G. VCF-style: chr4-99623436-A-G. GRCh37 (hg19) VCF-style: chr4-100544593-A-G.
Other names: c.*588A>G (NM_000253.4, NM_001300785.2).
Identifiers: ClinVar variation 902734 (VCV000902734.4), dbSNP rs184236038, ClinGen allele CA102653092.
Genomic context (GRCh38, chr4:99,623,436, plus strand): 5'-AAAAGACTTGTTAGCCAACTTCAAGAATTAATATTTATGTCTCTGTTATTGTTAGTTTTA[A>G]GCCTTAAGGTAGAAGGCACATAGAAATAACATCTCATCTTTCTGCTGACCATTTTAGTGA-3'

ClinVar aggregate classification (germline): Benign (1 of 4 stars; one submission).

Conditions:
Abetalipoproteinaemia (ABL). Also called: MTP DEFICIENCY; Abetalipoproteinemia; Abetalipoproteinemia neuropathy; Apolipoprotein B deficiency; Congenital betalipoprotein deficiency syndrome. Identifiers: Orphanet 14, MedGen C0000744, MONDO:0008692, OMIM 200100, HP:0008181.

Allele frequency attached by ClinVar (database versions not stated): gnomAD exomes 0.00052; gnomAD 0.00590 and 0.00619; 1000 Genomes Project 0.00659; TOPMed 0.00687; 1000 Genomes Project 30x 0.00703.
gnomAD v4.1: 896 of 158,290 alleles (0.57%); highest among the groups gnomAD compares: African/African-American, 1.9%; 8 homozygotes.

Submission:

Illumina Laboratory Services, Illumina
Classification: Benign for Abetalipoproteinaemia. Last evaluated: 2018-01-12. Review status: criteria provided, single submitter. Criteria: ICSL Variant Classification Criteria 13 December 2019. Collection method: clinical testing. Allele origin: germline.
Comment: This variant was observed in the ICSL laboratory as part of a predisposition screen in an ostensibly healthy population. It had not been previously curated by ICSL or reported in the Human Gene Mutation Database (HGMD: prior to June 1st, 2018), and was therefore a candidate for classification through an automated scoring system. Utilizing variant allele frequency, disease prevalence and penetrance estimates, and inheritance mode, an automated score was calculated to assess if this variant is too frequent to cause the disease. Based on the score and internal cut-off values, a variant classified as benign is not then subjected to further curation. The score for this variant resulted in a classification of benign for this disease.